The following is an entry in ClinVar:

NM_020794.2:c.211C>G

Gene: LRRC7 (leucine rich repeat containing 7; plus strand).
Variant type: single nucleotide variant.
Identifiers: ClinVar variation 4548012 (VCV004548012.1).

ClinVar aggregate classification (germline): Uncertain significance (1 of 4 stars; one submission).

Submission:

Ambry Genetics
Classification: Uncertain significance. Last evaluated: 2025-11-13. Review status: criteria provided, single submitter. Criteria: Ambry Variant Classification Scheme 2023. Collection method: clinical testing. Allele origin: germline.
Comment: The c.211C>G (p.L71V) alteration is located in exon 2 (coding exon 2) of the LRRC7 gene. This alteration results from a C to G substitution at nucleotide position 211, causing the leucine (L) at amino acid position 71 to be replaced by a valine (V). This variant was not reported in population-based cohorts in the Genome Aggregation Database (gnomAD). This amino acid position is highly conserved in available vertebrate species. This missense alteration is located in a region that has a low rate of benign missense variation (Lek, 2016; Firth, 2009). This alteration is predicted to be deleterious by in silico analysis. Based on insufficient or conflicting evidence, the clinical significance of this alteration remains unclear.